The following is an entry in ClinVar:

ClinVar aggregate classification (germline): Uncertain significance (1 of 4 stars; one submission).

Conditions:
Hereditary pancreatitis (PCTT). Also called: PRSS1-Related Hereditary Pancreatitis; Hereditary chronic pancreatitis. Identifiers: Orphanet 676, MedGen C0238339, MONDO:0008185, OMIM 167800.

Submission:

Labcorp Genetics (formerly Invitae), Labcorp
Classification: Uncertain significance for Hereditary pancreatitis. Last evaluated: 2019-09-30. Review status: criteria provided, single submitter. Criteria: Invitae Variant Classification Sherloc (09022015). Collection method: clinical testing. Allele origin: germline.
Comment: In summary, the available evidence is currently insufficient to determine the role of this variant in disease. Therefore, it has been classified as a Variant of Uncertain Significance. This variant disrupts the p.Arg122 amino acid residue in PRSS1. Other variant(s) that disrupt this residue have been determined to be pathogenic (PMID: 8841182, 19453252, 11748242, 11097832). This suggests that this residue is clinically significant, and that variants that disrupt this residue are likely to be disease-causing. Algorithms developed to predict the effect of missense changes on protein structure and function are either unavailable or do not agree on the potential impact of this missense change (SIFT: "Tolerated"; PolyPhen-2: "Possibly Damaging"; Align-GVGD: "Class C0"). This variant has not been reported in the literature in individuals with PRSS1-related conditions. This variant is not present in population databases (ExAC no frequency). This sequence change replaces arginine with proline at codon 122 of the PRSS1 protein (p.Arg122Pro). The arginine residue is moderately conserved and there is a moderate physicochemical difference between arginine and proline.

Literature cited by the submitters: PubMed 8841182; PubMed 19453252; PubMed 11748242; PubMed 11097832.

NM_002769.5(PRSS1):c.365G>C (p.Arg122Pro)

Genes: TRB (T cell receptor beta locus; plus strand), PRSS1 (serine protease 1; plus strand). Cytogenetic location: 7q34.
Variant type: single nucleotide variant.
Coding change: c.365G>C on transcript NM_002769.5 (MANE Select); coding-DNA position 365, G replaced by C.
Protein change: p.Arg122Pro; replaces arginine 122 with proline.
Molecular consequence: missense variant.
Genome position (GRCh38, 1-based): chr7:142,751,938, G>C. VCF-style: chr7-142751938-G-C. GRCh37 (hg19) VCF-style: chr7-142459789-G-C.
Other names: short protein forms R122P.
Identifiers: ClinVar variation 963042 (VCV000963042.9), dbSNP rs111033565, ClinGen allele CA369608951.
Genomic context (GRCh38, chr7:142,751,938, plus strand): 5'-AGACTCTGAACAATGACATCATGTTAATCAAGCTCTCCTCACGTGCAGTAATCAACGCCC[G>C]CGTGTCCACCATCTCTCTGCCCACCGCCCCTCCAGCCACTGGCACGAAGTGCCTCATCTC-3'
Protein context (NP_002760.1, residues 112-132): KLSSRAVINA[Arg122Pro]VSTISLPTAP